The following is an entry in ClinVar:

NM_000393.5(COL5A2):c.4114-20A>G

Gene: COL5A2 (collagen type V alpha 2 chain; minus strand). Cytogenetic location: 2q32.2.
Variant type: single nucleotide variant.
Coding change: c.4114-20A>G on transcript NM_000393.5 (MANE Select); 20 bases into the intron before coding-DNA position 4114, A replaced by G.
Molecular consequence: intron variant.
Genome position (GRCh38, 1-based): chr2:189,035,175, T>C on the plus strand (A>G on the coding strand, the complement: COL5A2 is on the minus strand). VCF-style: chr2-189035175-T-C. GRCh37 (hg19) VCF-style: chr2-189899901-T-C.
Identifiers: ClinVar variation 389828 (VCV000389828.9), dbSNP rs1057523545, ClinGen allele CA16604286.

ClinVar aggregate classification (germline): Likely benign. Review status: criteria provided, multiple submitters, no conflicts (2 of 4 stars). 2 submissions from 2 submitters: Likely benign (2). Last evaluated 2026-01-20.

Conditions:
Ehlers-Danlos syndrome, classic type, 1 (EDSCL1). Also called: EHLERS-DANLOS SYNDROME, GRAVIS TYPE; EHLERS-DANLOS SYNDROME, SEVERE CLASSIC TYPE; Ehlers-Danlos Syndrome, Classic Type, COL5A1-Related; EDS I; Ehlers-Danlos syndrome, type 1. Identifiers: MedGen C0268335, MONDO:0019567, OMIM 130000.

Allele frequency attached by ClinVar (database versions not stated): TOPMed below 0.00001.

Submissions (2):

Labcorp Genetics (formerly Invitae), Labcorp
Classification: Likely benign for Ehlers-Danlos syndrome, classic type, 1. Last evaluated: 2026-01-20. Review status: criteria provided, single submitter. Criteria: Invitae Variant Classification Sherloc (09022015). Collection method: clinical testing. Allele origin: germline.

GeneDx
Classification: Likely benign. Last evaluated: 2016-10-10. Review status: criteria provided, single submitter. Criteria: GeneDx Variant Classification (06012015). Collection method: clinical testing. Allele origin: germline. Affected: yes.
Comment: This variant is considered likely benign or benign based on one or more of the following criteria: it is a conservative change, it occurs at a poorly conserved position in the protein, it is predicted to be benign by multiple in silico algorithms, and/or has population frequency not consistent with disease.